The following is an entry in ClinVar:

NM_024570.4(RNASEH2B):c.136+1del

Gene: RNASEH2B (ribonuclease H2 subunit B; plus strand). Cytogenetic location: 13q14.3.
Variant type: Deletion.
Coding change: c.136+1del on transcript NM_024570.4 (MANE Select); the canonical splice donor site of the intron after coding-DNA position 136, one base deleted (G; older notation c.136+1delG).
Molecular consequence: splice donor variant.
Genome position (GRCh38, 1-based): chr13:50,927,479, G deleted; the last of 2 consecutive G bases (chr13:50,927,478-50,927,479); deleting either gives the same sequence. VCF-style (leftmost placement, unchanged base first): chr13-50927477-AG-A. GRCh37 (hg19) VCF-style: chr13-51501613-AG-A.
Other names: NC_000013.10:g.51501615del; c.136+1delG (NM_024570.4, NM_024570.3); c.136del (NM_024570.4); c.136+1del (NM_001142279.2, NM_001411023.1).
Identifiers: ClinVar variation 566198 (VCV000566198.22), dbSNP rs75186889, ClinGen allele CA6985448.
Genomic context (GRCh38, chr13:50,927,477, plus strand): 5'-AGATGCTTCAAAGAAGATGAAAAATGGGCTAATGTTTGTAAAACTGGTTAACCCCTGTTC[AG>A]GTAAGTTCTCTTCTCATAACTTGAATGTTCTTAAATGTTGTGGCTAATGAGTATATACAC-3'

ClinVar aggregate classification (germline): Pathogenic. Review status: criteria provided, multiple submitters, no conflicts (2 of 4 stars). 6 submissions from 6 submitters: Pathogenic (5). 1 of the submissions does not count toward it. Last evaluated 2025-10-23.

Conditions:
RNASEH2B-related disorder. Also called: RNASEH2B-related condition.
Aicardi-Goutieres syndrome 2. Identifiers: Orphanet 51, MedGen C3489724, MONDO:0012429, OMIM 610181.
Aicardi Goutieres syndrome (AGS). Also called: Encephalopathy, familial infantile, with calcification of basal ganglia and chronic cerebrospinal fluid lymphocytosis. Identifiers: Orphanet 51, MedGen C0393591, MONDO:0018866.

Submissions (7):

Labcorp Genetics (formerly Invitae), Labcorp
Classification: Pathogenic for Aicardi-Goutieres syndrome 2. Last evaluated: 2025-10-23. Review status: criteria provided, single submitter. Criteria: Invitae Variant Classification Sherloc (09022015). Collection method: clinical testing. Allele origin: germline.
Comment: This sequence change affects a splice site in intron 2 of the RNASEH2B gene. It is expected to disrupt RNA splicing. Variants that disrupt the donor or acceptor splice site typically lead to a loss of protein function (PMID: 16199547), and loss-of-function variants in RNASEH2B are known to be pathogenic (PMID: 17846997). This variant is present in population databases (rs762857414, gnomAD 0.006%). Disruption of this splice site has been observed in individuals with Aicardi-Goutieres syndrome (PMID: 17846997). ClinVar contains an entry for this variant (Variation ID: 566198). Algorithms developed to predict the effect of sequence changes on RNA splicing suggest that this variant may disrupt the consensus splice site. For these reasons, this variant has been classified as Pathogenic.

Women's Health and Genetics/Laboratory Corporation of America, LabCorp
Classification: Pathogenic for Aicardi Goutieres syndrome. Last evaluated: 2024-10-14. Review status: criteria provided, single submitter. Criteria: LabCorp Variant Classification Summary - May 2015. Collection method: clinical testing. Allele origin: germline.
Comment: Variant summary: RNASEH2B c.136+1delG is located in a canonical splice-site and is predicted to affect mRNA splicing resulting in a significantly altered protein due to either exon skipping, shortening, or inclusion of intronic material. Variants that disrupt the consensus splice site are a relatively common cause of aberrant splicing and loss of RNASEH2B function. Several computational tools predict a significant impact on normal splicing: Four predict the variant abolishes a 5' splicing donor site. Three predict the variant creates a 5' donor site. However, these predictions have yet to be confirmed by functional studies. The variant allele was found at a frequency of 1.2e-05 in 251264 control chromosomes. c.136+1delG has been reported in the literature in individuals affected with Aicardi Goutieres Syndrome (Rice_2017). These data indicate that the variant is likely to be associated with disease. To our knowledge, no experimental evidence demonstrating an impact on protein function has been reported. ClinVar contains an entry for this variant (Variation ID: 566198). Based on the evidence outlined above, the variant was classified as pathogenic.

Fulgent Genetics
Classification: Pathogenic for Aicardi-Goutieres syndrome 2. Last evaluated: 2024-05-15. Review status: criteria provided, single submitter. Criteria: ACMG Guidelines, 2015. Collection method: clinical testing. Allele origin: germline.

GeneDx
Classification: Pathogenic. Last evaluated: 2024-03-14. Review status: criteria provided, single submitter. Criteria: GeneDx Variant Classification Process June 2021. Collection method: clinical testing. Allele origin: germline. Affected: yes.
Comment: Canonical splice site variant expected to result in aberrant splicing, although in the absence of functional evidence the actual effect of this sequence change is unknown.; Not observed at significant frequency in large population cohorts (gnomAD); This variant is associated with the following publications: (PMID: 22149989, 31589614, 27943079, 17846997)

Mayo Clinic Laboratories, Mayo Clinic
Classification: Pathogenic. Last evaluated: 2024-02-01. Review status: criteria provided, single submitter. Criteria: ACMG Guidelines, 2015. Collection method: clinical testing. Allele origin: germline.
Comment: PM2, PS4_moderate, PVS1

PreventionGenetics, part of Exact Sciences
Classification: Pathogenic for RNASEH2B-related condition. Last evaluated: 2023-11-22. Review status: no assertion criteria provided. Collection method: clinical testing. Allele origin: germline. Not counted in ClinVar's aggregate classification.
Comment: The RNASEH2B c.136+1delG variant is predicted to result in a deletion affecting a canonical splice site. This variant was reported heterozygous with a second RNASEH2B variant in individuals with Aicardi-Goutières syndrome (Rice et al. 2007. PubMed ID: 17846997; Rice et al. 2016. PubMed ID: 27943079, Table S5). This variant is reported in 0.0058% of alleles in individuals of Latino descent in gnomAD. This variant is interpreted as pathogenic.

Dr. Peter K. Rogan Lab, Western University
No classification provided (evidence only). Condition: Papillary renal cell carcinoma type 1. Review status: no classification provided. Collection method: in vitro. Allele origin: not applicable. Functional consequence: skipped exon, retained intron. Not counted in ClinVar's aggregate classification.

Literature cited by the submitters: PubMed 16199547 (cited by Labcorp Genetics (formerly Invitae), Labcorp); PubMed 17846997 (cited by Labcorp Genetics (formerly Invitae), Labcorp and Mayo Clinic Laboratories, Mayo Clinic); PubMed 27943079 (cited by Women's Health and Genetics/Laboratory Corporation of America, LabCorp and Mayo Clinic Laboratories, Mayo Clinic).